The following is an entry in ClinVar:

ClinVar aggregate classification (germline): Conflicting classifications of pathogenicity. Review status: criteria provided, conflicting classifications (1 of 4 stars). 3 submissions from 3 submitters: Likely pathogenic (1); Uncertain significance (2). Last evaluated 2026-06-02.

Conditions:
Cardiofaciocutaneous syndrome 1 (CFC1). Also called: BRAF-Related Cardiofaciocutaneous Syndrome. Identifiers: Orphanet 1340, MedGen CN029449, MONDO:0007265, OMIM 115150. Disease mechanism: gain of function.
RASopathy. Also called: Noonan spectrum disorder; rasopathies. Identifiers: Orphanet 536391, MedGen C5555857, MONDO:0021060.

Submissions (3):

GeneDx
Classification: Uncertain significance. Last evaluated: 2026-06-02. Review status: criteria provided, single submitter. Criteria: GeneDx Variant Classification Process June 2021. Collection method: clinical testing. Allele origin: germline.
Comment: Not observed at significant frequency in large population cohorts (gnomAD); Missense variants in this gene are a common cause of disease and they are underrepresented in the general population; In silico analysis supports that this missense variant has a deleterious effect on protein structure/function; De novo variant with confirmed parentage in patients referred for genetic testing at GeneDx; however, the reported clinical features are only partially consistent with the features typically observed in individuals with pathogenic variants in this gene; Has not been previously published in association with a BRAF-related RASopathy to our knowledge; This variant is associated with the following publications: (PMID: 29152725, 29493581, 41273144, 42003243, 28650588)

Labcorp Genetics (formerly Invitae), Labcorp
Classification: Uncertain significance for RASopathy. Last evaluated: 2024-07-16. Review status: criteria provided, single submitter. Criteria: Invitae Variant Classification Sherloc (09022015). Collection method: clinical testing. Allele origin: germline.
Comment: This sequence change replaces leucine, which is neutral and non-polar, with phenylalanine, which is neutral and non-polar, at codon 584 of the BRAF protein (p.Leu584Phe). This variant is not present in population databases (gnomAD no frequency). This variant has not been reported in the literature in individuals affected with BRAF-related conditions. ClinVar contains an entry for this variant (Variation ID: 802374). Advanced modeling of protein sequence and biophysical properties (such as structural, functional, and spatial information, amino acid conservation, physicochemical variation, residue mobility, and thermodynamic stability) performed at Invitae indicates that this missense variant is not expected to disrupt BRAF protein function with a negative predictive value of 80%. Algorithms developed to predict the effect of sequence changes on RNA splicing suggest that this variant may disrupt the consensus splice site. In summary, the available evidence is currently insufficient to determine the role of this variant in disease. Therefore, it has been classified as a Variant of Uncertain Significance.

Mendelics
Classification: Likely pathogenic for Cardiofaciocutaneous syndrome 1. Last evaluated: 2019-05-28. Review status: criteria provided, single submitter. Criteria: Mendelics Assertion Criteria 2017. Collection method: clinical testing. Allele origin: unknown.

NM_004333.6(BRAF):c.1750C>T (p.Leu584Phe)

Gene: BRAF (B-Raf proto-oncogene, serine/threonine kinase; minus strand). Cytogenetic location: 7q34.
Variant type: single nucleotide variant.
Coding change: c.1750C>T on transcript NM_004333.6 (MANE Select); coding-DNA position 1750, C replaced by T.
Protein change: p.Leu584Phe; replaces leucine 584 with phenylalanine.
Molecular consequence: missense variant.
Genome position (GRCh38, 1-based): chr7:140,753,385, G>A on the plus strand (C>T on the coding strand, the complement: BRAF is on the minus strand). VCF-style: chr7-140753385-G-A. GRCh37 (hg19) VCF-style: chr7-140453185-G-A.
Other names: c.1750C>T, p.Leu584Phe (NM_001354609.2); c.1870C>T, p.Leu624Phe (NM_001374244.1, NM_001374258.1); short protein forms L624F, L584F.
Identifiers: ClinVar variation 802374 (VCV000802374.6), dbSNP rs1586015221, ClinGen allele CA369543331.
Genomic context (GRCh38, chr7:140,753,385, plus strand): 5'-ATCGAGATTTCACTGTAGCTAGACCAAAATCACCTATTTTTACTGTGAGGTCTTCATGAA[G>A]AAATATATCTGAGGTGTAGTAAGTAAAGGAAAACAGTAGATCTCATTTTCCTATCAGAGC-3'
Protein context (NP_004324.2, residues 574-594): HRDLKSNNIF[Leu584Phe]HEDLTVKIGD